The following is an entry in ClinVar:

ClinVar aggregate classification (germline): Uncertain significance (1 of 4 stars; one submission).

Submission:

Labcorp Genetics (formerly Invitae), Labcorp
Classification: Uncertain significance. Last evaluated: 2025-09-15. Review status: criteria provided, single submitter. Criteria: Invitae Variant Classification Sherloc (09022015). Collection method: clinical testing. Allele origin: germline.
Comment: This sequence change affects the initiator codon of the MAPKBP1 mRNA. This change may impact translation initiation or efficiency. The next in-frame methionine is located at codon 113. This variant is not present in population databases (gnomAD no frequency). This variant has not been reported in the literature in individuals affected with MAPKBP1-related conditions. ClinVar contains an entry for this variant (Variation ID: 2022907). In summary, the available evidence is currently insufficient to determine the role of this variant in disease. Therefore, it has been classified as a Variant of Uncertain Significance.

NM_014994.3(MAPKBP1):c.1A>G (p.Met1Val)

Gene: MAPKBP1 (mitogen-activated protein kinase binding protein 1; plus strand). Cytogenetic location: 15q15.1.
Variant type: single nucleotide variant.
Coding change: c.1A>G on transcript NM_014994.3 (MANE Select); coding-DNA position 1, A replaced by G.
Protein change: p.Met1Val; changes the start codon (methionine 1).
Molecular consequence: missense variant, initiator codon variant. On other transcripts: non-coding transcript variant (2).
Genome position (GRCh38, 1-based): chr15:41,775,276, A>G. VCF-style: chr15-41775276-A-G. GRCh37 (hg19) VCF-style: chr15-42067474-A-G.
Other names: c.1A>G, p.Met1Val (NM_001128608.2, NM_001265611.2); short protein forms M1V.
Identifiers: ClinVar variation 2022907 (VCV002022907.5), dbSNP rs2551082535, ClinGen allele CA391863365.